The following is an entry in ClinVar:

ClinVar aggregate classification (germline): Uncertain significance (1 of 4 stars; one submission).

Conditions:
Primary ciliary dyskinesia. Also called: Ciliary dyskinesia. Identifiers: Orphanet 244, MedGen C0008780, MONDO:0016575, HP:0012265.

Allele frequency attached by ClinVar (database versions not stated): gnomAD 0.00001; gnomAD exomes 0.00001; 1000 Genomes Project 30x 0.00016; 1000 Genomes Project 0.00020.
gnomAD v4.1: 14 of 1,540,990 alleles (0.00091%); highest among the groups gnomAD compares: Non-Finnish European, 0.0012%; no homozygotes.

Submission:

Labcorp Genetics (formerly Invitae), Labcorp
Classification: Uncertain significance for Primary ciliary dyskinesia. Last evaluated: 2022-05-25. Review status: criteria provided, single submitter. Criteria: Invitae Variant Classification Sherloc (09022015). Collection method: clinical testing. Allele origin: germline.
Comment: This sequence change falls in intron 1 of the CCNO gene. It does not directly change the encoded amino acid sequence of the CCNO protein. It affects a nucleotide within the consensus splice site. This variant is present in population databases (rs577008396, gnomAD 0.002%). This variant has not been reported in the literature in individuals affected with CCNO-related conditions. Variants that disrupt the consensus splice site are a relatively common cause of aberrant splicing (PMID: 17576681, 9536098). Algorithms developed to predict the effect of sequence changes on RNA splicing suggest that this variant may create or strengthen a splice site. In summary, the available evidence is currently insufficient to determine the role of this variant in disease. Therefore, it has been classified as a Variant of Uncertain Significance.

Literature cited by the submitters: PubMed 17576681; PubMed 9536098.

NM_021147.5(CCNO):c.381+3G>A

Gene: CCNO (cyclin O; minus strand). Cytogenetic location: 5q11.2.
Variant type: single nucleotide variant.
Coding change: c.381+3G>A on transcript NM_021147.5 (MANE Select); 3 bases into the intron after coding-DNA position 381, G replaced by A.
Molecular consequence: intron variant. On other transcripts: non-coding transcript variant (2).
Genome position (GRCh38, 1-based): chr5:55,233,140, C>T on the plus strand (G>A on the coding strand, the complement: CCNO is on the minus strand). VCF-style: chr5-55233140-C-T. GRCh37 (hg19) VCF-style: chr5-54528968-C-T.
Identifiers: ClinVar variation 1918807 (VCV001918807.3), dbSNP rs577008396, ClinGen allele CA118944916.